The following is an entry in ClinVar:

NM_000321.3(RB1):c.861G>C (p.Glu287Asp)

Gene: RB1 (RB transcriptional corepressor 1; plus strand). Cytogenetic location: 13q14.2.
Variant type: single nucleotide variant.
Coding change: c.861G>C on transcript NM_000321.3 (MANE Select); coding-DNA position 861, G replaced by C.
Protein change: p.Glu287Asp; replaces glutamic acid 287 with aspartic acid.
Molecular consequence: missense variant.
Genome position (GRCh38, 1-based): chr13:48,362,957, G>C. VCF-style: chr13-48362957-G-C. GRCh37 (hg19) VCF-style: chr13-48937093-G-C.
Other names: short protein forms E287D.
Identifiers: ClinVar variation 458186 (VCV000458186.6), dbSNP rs1555284956, ClinGen allele CA388159722.
Genomic context (GRCh38, chr13:48,362,957, plus strand): 5'-AGAAAATGATACAAGAATTATTGAAGTTCTCTGTAAAGAACATGAATGTAATATAGATGA[G>C]GTAATTTAACTTCATGATTTCTTTAAAACAGTTAAAGTAGATTTAGATGTAAGTTCTCCC-3'
Protein context (NP_000312.2, residues 277-297): LCKEHECNID[Glu287Asp]VKNVYFKNFI

ClinVar aggregate classification (germline): Pathogenic (1 of 4 stars; one submission).

Conditions:
Retinoblastoma (RB1). Also called: RETINOBLASTOMA, SOMATIC. Identifiers: Orphanet 790, MedGen C0035335, MeSH D012175, MONDO:0008380, OMIM 180200, HP:0009919. Disease mechanism: loss of function. Inheritance: Both sporadic and heritable forms are tested..

Submission:

Labcorp Genetics (formerly Invitae), Labcorp
Classification: Pathogenic for Retinoblastoma. Last evaluated: 2017-03-20. Review status: criteria provided, single submitter. Criteria: Invitae Variant Classification Sherloc (09022015). Collection method: clinical testing. Allele origin: germline.
Comment: For these reasons, this variant has been classified as Pathogenic. Nucleotide substitutions within the consensus splice site are relatively common causes of aberrant splicing (PMID: 17576681, 9536098). Algorithms developed to predict the effect of nucleotide changes on RNA splicing suggest that this variant may alter RNA splicing. RT-PCR analysis of patient lymphocyte RNA showed that this variant caused skipping of exon 8 (PMID: 11317357). This variant has been reported in multiple individuals affected with bilateral retinoblastoma (PMID: 11317357, 26539030, 22084214). This variant is not present in population databases (ExAC no frequency). This sequence change replaces glutamic acid with aspartic acid at codon 287 of the RB1 protein (p.Glu287Asp). The glutamic acid residue is highly conserved and there is a small physicochemical difference between glutamic acid and aspartic acid. This variant also falls at the last nucleotide of exon 8 of the RB1 coding sequence, which is part of the consensus splice site for this exon.

Literature cited by the submitters: PubMed 17576681; PubMed 9536098; PubMed 11317357; PubMed 26539030; PubMed 22084214.